The following is an entry in ClinVar:

ClinVar aggregate classification (germline): Uncertain significance. Review status: criteria provided, multiple submitters, no conflicts (2 of 4 stars). 3 submissions from 3 submitters: Uncertain significance (2). 1 of the submissions does not count toward it. Last evaluated 2025-12-28.

Conditions:
Hereditary cancer-predisposing syndrome. Also called: Hereditary neoplastic syndrome; Tumor predisposition; Neoplastic Syndromes, Hereditary; Hereditary Cancer Syndrome. Identifiers: Orphanet 140162, MedGen C0027672, MeSH D009386, MONDO:0015356.
Recurrent fever. Also called: Episodic fever. Identifiers: MedGen C3714772, HP:0001954.
Tuberous sclerosis 2 (TSC2). Identifiers: Orphanet 805, MedGen C1860707, MONDO:0013199, OMIM 613254.

Submissions (3):

Labcorp Genetics (formerly Invitae), Labcorp
Classification: Uncertain significance for Tuberous sclerosis 2. Last evaluated: 2025-12-28. Review status: criteria provided, single submitter. Criteria: Invitae Variant Classification Sherloc (09022015). Collection method: clinical testing. Allele origin: germline.
Comment: This sequence change replaces alanine, which is neutral and non-polar, with threonine, which is neutral and polar, at codon 1234 of the TSC2 protein (p.Ala1234Thr). This variant is not present in population databases (gnomAD no frequency). This variant has not been reported in the literature in individuals affected with TSC2-related conditions. ClinVar contains an entry for this variant (Variation ID: 860461). Invitae Evidence Modeling of protein sequence and biophysical properties (such as structural, functional, and spatial information, amino acid conservation, physicochemical variation, residue mobility, and thermodynamic stability) indicates that this missense variant is not expected to disrupt TSC2 protein function with a negative predictive value of 95%. In summary, the available evidence is currently insufficient to determine the role of this variant in disease. Therefore, it has been classified as a Variant of Uncertain Significance.

Ambry Genetics
Classification: Uncertain significance for Hereditary cancer-predisposing syndrome. Last evaluated: 2025-11-05. Review status: criteria provided, single submitter. Criteria: Ambry Variant Classification Scheme 2023. Collection method: clinical testing. Allele origin: germline.
Comment: The p.A1234T variant (also known as c.3700G>A), located in coding exon 30 of the TSC2 gene, results from a G to A substitution at nucleotide position 3700. The alanine at codon 1234 is replaced by threonine, an amino acid with similar properties. This amino acid position is not well conserved in available vertebrate species. In addition, this alteration is predicted to be deleterious by in silico analysis. Based on the available evidence, the clinical significance of this variant remains unclear.

Center for Human Genetics and Genomic Medicine, Uniklinik Rwth Aachen
Classification: Uncertain significance for Recurrent fever. Last evaluated: 2021-10-01. Review status: no assertion criteria provided. Collection method: clinical testing. Allele origin: paternal. Inheritance: Autosomal dominant inheritance. Affected: yes. Observed: 1 heterozygote. Not counted in ClinVar's aggregate classification.

NM_000548.5(TSC2):c.3700G>A (p.Ala1234Thr)

Gene: TSC2 (TSC complex subunit 2; plus strand). Cytogenetic location: 16p13.3.
Variant type: single nucleotide variant.
Coding change: c.3700G>A on transcript NM_000548.5 (MANE Select); coding-DNA position 3700, G replaced by A.
Protein change: p.Ala1234Thr; replaces alanine 1234 with threonine.
Molecular consequence: missense variant.
Genome position (GRCh38, 1-based): chr16:2,081,684, G>A. VCF-style: chr16-2081684-G-A. GRCh37 (hg19) VCF-style: chr16-2131685-G-A.
Other names: c.3568G>A, p.Ala1190Thr (NM_001077183.3, NM_001370404.1); c.3700G>A, p.Ala1234Thr (NM_001114382.3); c.3460G>A, p.Ala1154Thr (NM_001318827.2); c.3424G>A, p.Ala1142Thr (NM_001318829.2); c.2968G>A, p.Ala990Thr (NM_001318831.2); c.3601G>A, p.Ala1201Thr (NM_001318832.2); c.3571G>A, p.Ala1191Thr (NM_001363528.2, NM_001370405.1, NM_021055.3); short protein forms A1191T, A1234T, A990T, A1142T, A1190T, A1201T, A1154T.
Identifiers: ClinVar variation 860461 (VCV000860461.11), dbSNP rs2090160412, ClinGen allele CA394292552.